The following is an entry in ClinVar:

ClinVar aggregate classification (germline): Likely pathogenic. Review status: criteria provided, multiple submitters, no conflicts (2 of 4 stars). 2 submissions from 2 submitters: Likely pathogenic (2). Last evaluated 2023-09-26.

Conditions:
Marfan syndrome (MFS). Also called: Marfan syndrome type 1; Marfan's syndrome; FBN1-Related Marfan Syndrome; MARFAN SYNDROME, TYPE I; Marfan syndrome, classic. Identifiers: Orphanet 284963, Orphanet 558, MedGen C0024796, MONDO:0007947, OMIM 154700.
Familial thoracic aortic aneurysm and aortic dissection (TAAD). Also called: Thoracic aortic aneurysms and dissections. Identifiers: Orphanet 91387, MedGen C4707243, MONDO:0019625.

Submissions (2):

Labcorp Genetics (formerly Invitae), Labcorp
Classification: Likely pathogenic for Marfan syndrome; Familial thoracic aortic aneurysm and aortic dissection. Last evaluated: 2023-09-26. Review status: criteria provided, single submitter. Criteria: Invitae Variant Classification Sherloc (09022015). Collection method: clinical testing. Allele origin: germline.
Comment: This sequence change affects a donor splice site in intron 52 of the FBN1 gene. It is expected to disrupt RNA splicing. Variants that disrupt the donor or acceptor splice site typically lead to a loss of protein function (PMID: 16199547), and loss-of-function variants in FBN1 are known to be pathogenic (PMID: 17657824, 19293843). This variant is not present in population databases (gnomAD no frequency). Disruption of this splice site has been observed in individuals with Marfan syndrome (PMID: 18435798; Invitae). ClinVar contains an entry for this variant (Variation ID: 1325436). Algorithms developed to predict the effect of sequence changes on RNA splicing suggest that this variant may disrupt the consensus splice site. For these reasons, this variant has been classified as Pathogenic.

Centre of Medical Genetics, University of Antwerp
Classification: Likely pathogenic for Marfan syndrome. Last evaluated: 2021-03-01. Review status: criteria provided, single submitter. Criteria: Submitter's publication. Collection method: research. Allele origin: unknown. Affected: yes.
Comment: PM2, PS7, PP4

Literature cited by the submitters: PubMed 16199547 (cited by Labcorp Genetics (formerly Invitae), Labcorp); PubMed 17657824 (cited by Labcorp Genetics (formerly Invitae), Labcorp); PubMed 19293843 (cited by Labcorp Genetics (formerly Invitae), Labcorp); PubMed 18435798 (cited by Labcorp Genetics (formerly Invitae), Labcorp).

NM_000138.5(FBN1):c.6379+2T>G

Gene: FBN1 (fibrillin 1; minus strand). Cytogenetic location: 15q21.1.
Variant type: single nucleotide variant.
Coding change: c.6379+2T>G on transcript NM_000138.5 (MANE Select); the canonical splice donor site of the intron after coding-DNA position 6379, T replaced by G.
Molecular consequence: splice donor variant.
Genome position (GRCh38, 1-based): chr15:48,437,320, A>C on the plus strand (T>G on the coding strand, the complement: FBN1 is on the minus strand). VCF-style: chr15-48437320-A-C. GRCh37 (hg19) VCF-style: chr15-48729517-A-C.
Other names: c.6379+2T>G (LRG_778t1, NM_001406716.1).
Identifiers: ClinVar variation 1325436 (VCV001325436.5), dbSNP rs113453570, ClinGen allele CA392336728.